The following is an entry in ClinVar:

ClinVar aggregate classification (germline): Uncertain significance. Review status: criteria provided, multiple submitters, no conflicts (2 of 4 stars). 2 submissions from 2 submitters: Uncertain significance (2). Last evaluated 2025-06-09.

Conditions:
Familial thoracic aortic aneurysm and aortic dissection (TAAD). Also called: Thoracic aortic aneurysms and dissections. Identifiers: Orphanet 91387, MedGen C4707243, MONDO:0019625.

Allele frequency attached by ClinVar (database versions not stated): gnomAD exomes below 0.00001.
gnomAD v4.1: 2 of 1,614,190 alleles (0.00012%); highest among the groups gnomAD compares: Non-Finnish European, 0.00017%; no homozygotes.

Submissions (2):

Labcorp Genetics (formerly Invitae), Labcorp
Classification: Uncertain significance for Familial thoracic aortic aneurysm and aortic dissection. Last evaluated: 2025-06-09. Review status: criteria provided, single submitter. Criteria: Invitae Variant Classification Sherloc (09022015). Collection method: clinical testing. Allele origin: germline.
Comment: This sequence change replaces valine, which is neutral and non-polar, with isoleucine, which is neutral and non-polar, at codon 467 of the TGFBR2 protein (p.Val467Ile). This variant is not present in population databases (gnomAD no frequency). This variant has not been reported in the literature in individuals affected with TGFBR2-related conditions. ClinVar contains an entry for this variant (Variation ID: 1771704). Invitae Evidence Modeling of protein sequence and biophysical properties (such as structural, functional, and spatial information, amino acid conservation, physicochemical variation, residue mobility, and thermodynamic stability) has been performed for this missense variant. However, the output from this modeling did not meet the statistical confidence thresholds required to predict the impact of this variant on TGFBR2 protein function. In summary, the available evidence is currently insufficient to determine the role of this variant in disease. Therefore, it has been classified as a Variant of Uncertain Significance.

Ambry Genetics
Classification: Uncertain significance for Familial thoracic aortic aneurysm and aortic dissection. Last evaluated: 2021-07-27. Review status: criteria provided, single submitter. Criteria: Ambry Variant Classification Scheme 2023. Collection method: clinical testing. Allele origin: germline.
Comment: The p.V467I variant (also known as c.1399G>A), located in coding exon 6 of the TGFBR2 gene, results from a G to A substitution at nucleotide position 1399. The valine at codon 467 is replaced by isoleucine, an amino acid with highly similar properties. This amino acid position is conserved. In addition, the in silico prediction for this alteration is inconclusive. Since supporting evidence is limited at this time, the clinical significance of this alteration remains unclear.

NM_003242.6(TGFBR2):c.1399G>A (p.Val467Ile)

Gene: TGFBR2 (transforming growth factor beta receptor 2; plus strand). Cytogenetic location: 3p24.1.
Variant type: single nucleotide variant.
Coding change: c.1399G>A on transcript NM_003242.6 (MANE Select); coding-DNA position 1399, G replaced by A.
Protein change: p.Val467Ile; replaces valine 467 with isoleucine.
Molecular consequence: missense variant.
Genome position (GRCh38, 1-based): chr3:30,688,386, G>A. VCF-style: chr3-30688386-G-A. GRCh37 (hg19) VCF-style: chr3-30729878-G-A.
Other names: c.1474G>A, p.Val492Ile (NM_001024847.3); c.1582G>A, p.Val528Ile (NM_001407126.1); c.1507G>A, p.Val503Ile (NM_001407127.1); c.1426G>A, p.Val476Ile (NM_001407128.1); c.1402G>A, p.Val468Ile (NM_001407129.1); c.1294G>A, p.Val432Ile (NM_001407132.1, NM_001407133.1, NM_001407134.1 and 2 more transcripts); c.1114G>A, p.Val372Ile (NM_001407137.1); c.1039G>A, p.Val347Ile (NM_001407138.1); short protein forms V467I, V347I, V372I, V468I, V492I, V476I, V503I, V432I.
Identifiers: ClinVar variation 1771704 (VCV001771704.3), dbSNP rs2125451578, ClinGen allele CA351809190.